The following is an entry in ClinVar:

NM_005051.3(QARS1):c.232A>G (p.Ser78Gly)

Gene: QARS1 (glutaminyl-tRNA synthetase 1; minus strand). Cytogenetic location: 3p21.31.
Variant type: single nucleotide variant.
Coding change: c.232A>G on transcript NM_005051.3 (MANE Select); coding-DNA position 232, A replaced by G.
Protein change: p.Ser78Gly; replaces serine 78 with glycine.
Molecular consequence: missense variant.
Genome position (GRCh38, 1-based): chr3:49,104,357, T>C on the plus strand (A>G on the coding strand, the complement: QARS1 is on the minus strand). VCF-style: chr3-49104357-T-C. GRCh37 (hg19) VCF-style: chr3-49141790-T-C.
Other names: c.232A>G, p.Thr78Ala (NM_001272073.2); short protein forms S78G, T78A.
Identifiers: ClinVar variation 837744 (VCV000837744.4), dbSNP rs767410688, ClinGen allele CA352722515.
Genomic context (GRCh38, chr3:49,104,357, plus strand): 5'-AACTGGCAGGACAGGTAGGGGTCTCACCGCTTAGCTGGGGCTCAGTGTGGATCTTCTTAC[T>C]GGCTATGTAGCTTACAAGGAAGGAGAGACGCCGGGTATCCCTGAGTCGGGAGGCCAAGCC-3'
Protein context (NP_005042.1, residues 68-88): RLSFLVSYIA[Ser78Gly]KKIHTEPQLS

ClinVar aggregate classification (germline): Uncertain significance (1 of 4 stars; one submission).

Conditions:
Diffuse cerebral and cerebellar atrophy - intractable seizures - progressive microcephaly syndrome. Also called: Microcephaly, progressive, with seizures and cerebral and cerebellar atrophy. Identifiers: Orphanet 404437, MedGen C4014239, MONDO:0014335, OMIM 615760.

gnomAD v4.1: 8 of 1,614,202 alleles (0.0005%); highest among the groups gnomAD compares: Non-Finnish European, 0.00068%; no homozygotes.

Submission:

Labcorp Genetics (formerly Invitae), Labcorp
Classification: Uncertain significance for Diffuse cerebral and cerebellar atrophy - intractable seizures - progressive microcephaly syndrome. Last evaluated: 2020-03-10. Review status: criteria provided, single submitter. Criteria: Invitae Variant Classification Sherloc (09022015). Collection method: clinical testing. Allele origin: germline.
Comment: In summary, the available evidence is currently insufficient to determine the role of this variant in disease. Therefore, it has been classified as a Variant of Uncertain Significance. Algorithms developed to predict the effect of sequence changes on RNA splicing suggest that this variant may create or strengthen a splice site, but this prediction has not been confirmed by published transcriptional studies. Algorithms developed to predict the effect of missense changes on protein structure and function (SIFT, PolyPhen-2, Align-GVGD) all suggest that this variant is likely to be tolerated, but these predictions have not been confirmed by published functional studies and their clinical significance is uncertain. This variant has not been reported in the literature in individuals with QARS-related conditions. This variant is not present in population databases (ExAC no frequency). This sequence change replaces serine with glycine at codon 78 of the QARS protein (p.Ser78Gly). The serine residue is weakly conserved and there is a small physicochemical difference between serine and glycine.